The following is an entry in ClinVar:

NM_001868.4(CPA1):c.492G>A (p.Thr164=)

Gene: CPA1 (carboxypeptidase A1; plus strand). Cytogenetic location: 7q32.2.
Variant type: single nucleotide variant.
Coding change: c.492G>A on transcript NM_001868.4 (MANE Select); coding-DNA position 492, G replaced by A.
Protein change: p.Thr164=; no amino-acid change (threonine 164 retained).
Molecular consequence: synonymous variant.
Genome position (GRCh38, 1-based): chr7:130,383,399, G>A. VCF-style: chr7-130383399-G-A. GRCh37 (hg19) VCF-style: chr7-130023240-G-A.
Identifiers: ClinVar variation 755304 (VCV000755304.43), dbSNP rs369058363, ClinGen allele CA4484824.
Genomic context (GRCh38, chr7:130,383,399, plus strand): 5'-TGAGGCCTCAGCTGTGAAATTGCCTCTGATCACTCCCCTGCCTCCTCTCCAGTTCAGCAC[G>A]GGGGGCAGTAAGCGTCCAGCCATCTGGATCGACACGGGCATCCATTCCCGGGAGTGGGTC-3'
Protein context (NP_001859.1, residues 154-174): GRPIYVLKFS[Thr164=]GGSKRPAIWI

ClinVar aggregate classification (germline): Likely benign. Review status: criteria provided, multiple submitters, no conflicts (2 of 4 stars). 5 submissions from 5 submitters: Likely benign (4). 1 of the submissions does not count toward it. Last evaluated 2025-12-06.

Conditions:
Hereditary pancreatitis (PCTT). Also called: PRSS1-Related Hereditary Pancreatitis; Hereditary chronic pancreatitis. Identifiers: Orphanet 676, MedGen C0238339, MONDO:0008185, OMIM 167800.
CPA1-related disorder. Also called: CPA1-related condition.

Allele frequency attached by ClinVar (database versions not stated): ESP Exome Variant Server 0.00008; TOPMed 0.00012; gnomAD 0.00014 and 0.00016; ExAC 0.00022.
gnomAD v4.1: 264 of 1,613,578 alleles (0.016%); highest among the groups gnomAD compares: Non-Finnish European, 0.019%; no homozygotes.

Submissions (7):

Labcorp Genetics (formerly Invitae), Labcorp
Classification: Likely benign. Last evaluated: 2025-12-06. Review status: criteria provided, single submitter. Criteria: Invitae Variant Classification Sherloc (09022015). Collection method: clinical testing. Allele origin: germline.

CeGaT Center for Human Genetics Tuebingen
Classification: Likely benign. Last evaluated: 2023-04-01. Review status: criteria provided, single submitter. Criteria: CeGaT Center For Human Genetics Tuebingen Variant Classification Criteria Version 2. Collection method: clinical testing. Allele origin: germline. Affected: yes. Observed: 1 variant allele.
Comment: CPA1: BP4, BP7

Ambry Genetics
Classification: Likely benign for Hereditary pancreatitis. Last evaluated: 2018-12-19. Review status: criteria provided, single submitter. Criteria: Ambry Variant Classification Scheme 2023. Collection method: clinical testing. Allele origin: germline.

Breakthrough Genomics
Classification: Likely benign. Review status: criteria provided, single submitter. Criteria: ACMG Guidelines, 2015. Collection method: not provided. Allele origin: germline. Inheritance: Unknown mechanism. Affected: yes.

PreventionGenetics, part of Exact Sciences
Classification: Likely benign for CPA1-related condition. Last evaluated: 2019-09-17. Review status: no assertion criteria provided. Collection method: clinical testing. Allele origin: germline. Not counted in ClinVar's aggregate classification.
Comment: This variant is classified as likely benign based on ACMG/AMP sequence variant interpretation guidelines (Richards et al. 2015 PMID: 25741868, with internal and published modifications).

Dr. Peter K. Rogan Lab, Western University
No classification provided (evidence only). Condition: Familial cancer of breast. Review status: no classification provided. Collection method: in vitro. Allele origin: not applicable. Functional consequence: retained intron. Not counted in ClinVar's aggregate classification.

Dr. Peter K. Rogan Lab, Western University
No classification provided (evidence only). Condition: Gastric cancer. Review status: no classification provided. Collection method: in vitro. Allele origin: not applicable. Functional consequence: retained intron. Not counted in ClinVar's aggregate classification.